The following is an entry in ClinVar:

NM_001844.5(COL2A1):c.1586C>A (p.Ala529Asp)

Gene: COL2A1 (collagen type II alpha 1 chain; minus strand). Cytogenetic location: 12q13.11.
Variant type: single nucleotide variant.
Coding change: c.1586C>A on transcript NM_001844.5 (MANE Select); coding-DNA position 1586, C replaced by A.
Protein change: p.Ala529Asp; replaces alanine 529 with aspartic acid.
Molecular consequence: missense variant.
Genome position (GRCh38, 1-based): chr12:47,985,822, G>T on the plus strand (C>A on the coding strand, the complement: COL2A1 is on the minus strand). VCF-style: chr12-47985822-G-T. GRCh37 (hg19) VCF-style: chr12-48379605-G-T.
Other names: c.1379C>A, p.Ala460Asp (NM_033150.3); short protein forms A460D, A529D.
Identifiers: ClinVar variation 1190901 (VCV001190901.15), dbSNP rs370407502, ClinGen allele CA236527490.

ClinVar aggregate classification (germline): Conflicting classifications of pathogenicity. Review status: criteria provided, conflicting classifications (1 of 4 stars). 4 submissions from 4 submitters: Uncertain significance (3); Likely benign (1). Last evaluated 2026-09-10.

Conditions:
COL2A1-related disorder. Also called: COL2A1-related condition; COL2A1-related disorders.
Inborn genetic diseases. Identifiers: MedGen C0950123, MeSH D030342.

Allele frequency attached by ClinVar (database versions not stated): gnomAD 0.00001; gnomAD exomes 0.00002; ESP Exome Variant Server 0.00008.
gnomAD v4.1: 27 of 1,609,250 alleles (0.0017%); highest among the groups gnomAD compares: East Asian, 0.0022%; no homozygotes.

Submissions (4):

Ambry Genetics
Classification: Uncertain significance for Inborn genetic diseases. Last evaluated: 2026-09-10. Review status: criteria provided, single submitter. Criteria: Ambry Variant Classification Scheme 2023. Collection method: clinical testing. Allele origin: germline.

Labcorp Genetics (formerly Invitae), Labcorp
Classification: Likely benign. Last evaluated: 2026-01-12. Review status: criteria provided, single submitter. Criteria: Invitae Variant Classification Sherloc (09022015). Collection method: clinical testing. Allele origin: germline.

PreventionGenetics, part of Exact Sciences
Classification: Uncertain significance for COL2A1-related condition. Last evaluated: 2025-09-02. Review status: criteria provided, single submitter. Criteria: ACMG Guidelines, 2015. Collection method: clinical testing. Allele origin: germline.
Comment: The COL2A1 c.1586C>A variant is predicted to result in the amino acid substitution p.Ala529Asp. To our knowledge, this variant has not been reported in the literature. This variant is reported in 0.0056% of alleles in individuals of East Asian descent in gnomAD. At this time, the clinical significance of this variant is uncertain due to the absence of conclusive functional and genetic evidence.

GeneDx
Classification: Uncertain significance. Last evaluated: 2022-04-04. Review status: criteria provided, single submitter. Criteria: GeneDx Variant Classification Process June 2021. Collection method: clinical testing. Allele origin: germline. Affected: yes.
Comment: Has not been previously published as pathogenic or benign to our knowledge; Not observed at significant frequency in large population cohorts (gnomAD); In silico analysis supports that this missense variant does not alter protein structure/function; Occurs in the triple helical domain at the X position in the canonical Gly-X-Y repeat; although this variant may have an effect on normal protein folding and function, missense substitution at the X position is not a common mechanism of disease (HGMD)